The following is an entry in ClinVar:

ClinVar aggregate classification (germline): Pathogenic. Review status: criteria provided, multiple submitters, no conflicts (2 of 4 stars). 2 submissions from 2 submitters: Pathogenic (2). Last evaluated 2024-11-21.

Conditions:
Neurofibromatosis, type 1 (NF1). Also called: NEUROFIBROMATOSIS, TYPE I, SOMATIC; Neurofibromatosis, type I; Peripheral type neurofibromatosis; VON RECKLINGHAUSEN DISEASE. Identifiers: Orphanet 636, MedGen C0027831, MONDO:0018975, OMIM 162200. Disease mechanism: loss of function.

Submissions (2):

GeneDx
Classification: Pathogenic. Last evaluated: 2024-11-21. Review status: criteria provided, single submitter. Criteria: GeneDx Variant Classification Process June 2021. Collection method: clinical testing. Allele origin: germline. Affected: yes.
Comment: Canonical splice site variant predicted to result in a null allele in a gene for which loss-of-function is a known mechanism of disease; Not observed at significant frequency in large population cohorts (gnomAD); This variant is associated with the following publications: (PMID: 35240321)

Labcorp Genetics (formerly Invitae), Labcorp
Classification: Pathogenic for Neurofibromatosis, type 1. Last evaluated: 2024-05-07. Review status: criteria provided, single submitter. Criteria: Invitae Variant Classification Sherloc (09022015). Collection method: clinical testing. Allele origin: germline.
Comment: This sequence change affects a donor splice site in intron 39 of the NF1 gene. It is expected to disrupt RNA splicing. Variants that disrupt the donor or acceptor splice site typically lead to a loss of protein function (PMID: 16199547), and loss-of-function variants in NF1 are known to be pathogenic (PMID: 10712197, 23913538). This variant is not present in population databases (gnomAD no frequency). Disruption of this splice site has been observed in individual(s) with neurofibromatosis type 1 (PMID: 10712197, 15060124, 28891274, 35240321). ClinVar contains an entry for this variant (Variation ID: 2113362). Algorithms developed to predict the effect of sequence changes on RNA splicing suggest that this variant may disrupt the consensus splice site. For these reasons, this variant has been classified as Pathogenic.

Literature cited by the submitters: PubMed 16199547 (cited by Labcorp Genetics (formerly Invitae), Labcorp); PubMed 10712197 (cited by Labcorp Genetics (formerly Invitae), Labcorp); PubMed 23913538 (cited by Labcorp Genetics (formerly Invitae), Labcorp); PubMed 15060124 (cited by Labcorp Genetics (formerly Invitae), Labcorp); PubMed 28891274 (cited by Labcorp Genetics (formerly Invitae), Labcorp); PubMed 35240321 (cited by Labcorp Genetics (formerly Invitae), Labcorp).

NM_001042492.3(NF1):c.6006+1G>C

Gene: NF1 (neurofibromin 1; plus strand). Cytogenetic location: 17q11.2.
Variant type: single nucleotide variant.
Coding change: c.6006+1G>C on transcript NM_001042492.3 (MANE Select); the canonical splice donor site of the intron after coding-DNA position 6006, G replaced by C.
Molecular consequence: splice donor variant.
Genome position (GRCh38, 1-based): chr17:31,335,032, G>C. VCF-style: chr17-31335032-G-C. GRCh37 (hg19) VCF-style: chr17-29662050-G-C.
Other names: c.5943+1G>C (NM_000267.4).
Identifiers: ClinVar variation 2113362 (VCV002113362.5), dbSNP rs1555534433, ClinGen allele CA399010983.